The following is an entry in ClinVar:

NM_018026.4(PACS1):c.1328C>T (p.Thr443Ile)

Gene: PACS1 (phosphofurin acidic cluster sorting protein 1; plus strand). Cytogenetic location: 11q13.2.
Variant type: single nucleotide variant.
Coding change: c.1328C>T on transcript NM_018026.4 (MANE Select); coding-DNA position 1328, C replaced by T.
Protein change: p.Thr443Ile; replaces threonine 443 with isoleucine.
Molecular consequence: missense variant.
Genome position (GRCh38, 1-based): chr11:66,227,538, C>T. VCF-style: chr11-66227538-C-T. GRCh37 (hg19) VCF-style: chr11-65995009-C-T.
Other names: short protein forms T443I.
Identifiers: ClinVar variation 2103706 (VCV002103706.4), dbSNP rs1855491902, ClinGen allele CA381364067.

ClinVar aggregate classification (germline): Uncertain significance (1 of 4 stars; one submission).

Conditions:
Schuurs-Hoeijmakers syndrome. Also called: PACS1-Related Neurodevelopmental Disorder. Identifiers: Orphanet 329224, MedGen C3554343, MONDO:0014006, OMIM 615009.

Allele frequency attached by ClinVar (database versions not stated): TOPMed below 0.00001.

Submission:

Labcorp Genetics (formerly Invitae), Labcorp
Classification: Uncertain significance for Schuurs-Hoeijmakers syndrome. Last evaluated: 2023-08-04. Review status: criteria provided, single submitter. Criteria: Invitae Variant Classification Sherloc (09022015). Collection method: clinical testing. Allele origin: germline.
Comment: This sequence change replaces threonine, which is neutral and polar, with isoleucine, which is neutral and non-polar, at codon 443 of the PACS1 protein (p.Thr443Ile). This variant is not present in population databases (gnomAD no frequency). This variant has not been reported in the literature in individuals affected with PACS1-related conditions. ClinVar contains an entry for this variant (Variation ID: 2103706). Advanced modeling of protein sequence and biophysical properties (such as structural, functional, and spatial information, amino acid conservation, physicochemical variation, residue mobility, and thermodynamic stability) performed at Invitae indicates that this missense variant is not expected to disrupt PACS1 protein function. In summary, the available evidence is currently insufficient to determine the role of this variant in disease. Therefore, it has been classified as a Variant of Uncertain Significance.